The following is an entry in ClinVar:

NM_004415.4(DSP):c.5834_5835del (p.Arg1945fs)

Gene: DSP (desmoplakin; plus strand). Cytogenetic location: 6p24.3.
Variant type: Microsatellite.
Coding change: c.5834_5835del on transcript NM_004415.4 (MANE Select); coding-DNA positions 5834 to 5835, 2 bases deleted (GC; older notation c.5834_5835delGC).
Protein change: p.Arg1945fs; shifts the reading frame from arginine 1945.
Molecular consequence: frameshift variant.
Genome position (GRCh38, 1-based): chr6:7,583,096-7,583,097, GC deleted; deleting any 2 consecutive bases within chr6:7,583,094-7,583,097 gives the same sequence; the c. name uses the placement nearest the transcript's 3' end. VCF-style (leftmost placement, unchanged base first): chr6-7583093-AGC-A. GRCh37 (hg19) VCF-style: chr6-7583326-AGC-A.
Other names: c.4037_4038del, p.Arg1346fs (NM_001008844.3); c.4505_4506del, p.Arg1502fs (NM_001319034.2); short protein forms R1502fs, R1346fs, R1945fs.
Identifiers: ClinVar variation 3544419 (VCV003544419.2).

ClinVar aggregate classification (germline): Pathogenic (1 of 4 stars; one submission).

Conditions:
Cardiomyopathy, dilated, with wooly hair, keratoderma, and tooth agenesis. Also called: Cardiomyopathy, dilated, with woolly hair, keratoderma, and tooth agenesis; Erythrokeratodermia-cardiomyopathy syndrome. Identifiers: Orphanet 476096, Orphanet 65282, MedGen C4014393, MONDO:0014355, OMIM 615821.

Submission:

Molecular Genetics Laboratory, Motol Hospital
Classification: Pathogenic for Cardiomyopathy, dilated, with wooly hair, keratoderma, and tooth agenesis. Last evaluated: 2025-01-08. Review status: criteria provided, single submitter. Criteria: ACMG Guidelines, 2015. Collection method: clinical testing. Allele origin: germline. Affected: yes. Observed: 1 variant allele.
Comment: truncating (null) variant in a gene where loss of function is a known mechanism of a disease (PVS1), rare variant not present in general gnomAD population (v4.1.0) (PM2); ACMG PVS1, PM2